The following is an entry in ClinVar:

NM_002448.3(MSX1):c.782C>G (p.Ala261Gly)

Gene: MSX1 (msh homeobox 1; plus strand). Cytogenetic location: 4p16.2.
Variant type: single nucleotide variant.
Coding change: c.782C>G on transcript NM_002448.3 (MANE Select); coding-DNA position 782, C replaced by G.
Protein change: p.Ala261Gly; replaces alanine 261 with glycine.
Molecular consequence: missense variant.
Genome position (GRCh38, 1-based): chr4:4,863,013, C>G. VCF-style: chr4-4863013-C-G. GRCh37 (hg19) VCF-style: chr4-4864740-C-G.
Other names: short protein forms A261G.
Identifiers: ClinVar variation 1379518 (VCV001379518.8), dbSNP rs1459531026, ClinGen allele CA356138843.
Genomic context (GRCh38, chr4:4,863,013, plus strand): 5'-CCGCCAAGCCCATGCTGCCACCGGCTGCCTTCGGCCTCTCCTTCCCTCTCGGCGGCCCCG[C>G]AGCTGTAGCGGCCGCGGCGGGTGCCTCGCTCTACGGTGCCTCTGGCCCCTTCCAGCGCGC-3'
Protein context (NP_002439.2, residues 251-271): FGLSFPLGGP[Ala261Gly]AVAAAAGASL

ClinVar aggregate classification (germline): Uncertain significance. Review status: criteria provided, multiple submitters, no conflicts (2 of 4 stars). 3 submissions from 3 submitters: Uncertain significance (3). Last evaluated 2025-03-18.

Conditions:
Inborn genetic diseases. Identifiers: MedGen C0950123, MeSH D030342.
Hypoplastic enamel-onycholysis-hypohidrosis syndrome (TNS). Also called: NAIL DYSPLASIA WITH HYPODONTIA; Tooth-and-Nail Syndrome; WITKOP SYNDROME; ECTODERMAL DYSPLASIA 3, WITKOP TYPE; ECTODERMAL DYSPLASIA 3, TOOTH/NAIL TYPE. Identifiers: Orphanet 2228, MedGen C0406735, MONDO:0008582, OMIM 189500.

Allele frequency attached by ClinVar (database versions not stated): gnomAD exomes 0.00001; TOPMed 0.00001.

Submissions (3):

Ambry Genetics
Classification: Uncertain significance for Inborn genetic diseases. Last evaluated: 2025-03-18. Review status: criteria provided, single submitter. Criteria: Ambry Variant Classification Scheme 2023. Collection method: clinical testing. Allele origin: germline.

Labcorp Genetics (formerly Invitae), Labcorp
Classification: Uncertain significance for Hypoplastic enamel-onycholysis-hypohidrosis syndrome. Last evaluated: 2022-12-06. Review status: criteria provided, single submitter. Criteria: Invitae Variant Classification Sherloc (09022015). Collection method: clinical testing. Allele origin: germline.
Comment: Advanced modeling of protein sequence and biophysical properties (such as structural, functional, and spatial information, amino acid conservation, physicochemical variation, residue mobility, and thermodynamic stability) performed at Invitae indicates that this missense variant is not expected to disrupt MSX1 protein function. ClinVar contains an entry for this variant (Variation ID: 1379518). This variant has not been reported in the literature in individuals affected with MSX1-related conditions. This variant is present in population databases (no rsID available, gnomAD 0.009%). This sequence change replaces alanine, which is neutral and non-polar, with glycine, which is neutral and non-polar, at codon 261 of the MSX1 protein (p.Ala261Gly). In summary, the available evidence is currently insufficient to determine the role of this variant in disease. Therefore, it has been classified as a Variant of Uncertain Significance.

Breakthrough Genomics
Classification: Uncertain significance. Review status: criteria provided, single submitter. Criteria: ACMG Guidelines, 2015. Collection method: not provided. Allele origin: germline. Inheritance: Autosomal dominant inheritance. Affected: yes.